The following is an entry in ClinVar:

NM_006005.3(WFS1):c.1758C>T (p.Ala586=)

Gene: WFS1 (wolframin ER transmembrane glycoprotein; plus strand). Cytogenetic location: 4p16.1.
Variant type: single nucleotide variant.
Coding change: c.1758C>T on transcript NM_006005.3 (MANE Select); coding-DNA position 1758, C replaced by T.
Protein change: p.Ala586=; no amino-acid change (alanine 586 retained).
Molecular consequence: synonymous variant.
Genome position (GRCh38, 1-based): chr4:6,301,553, C>T. VCF-style: chr4-6301553-C-T. GRCh37 (hg19) VCF-style: chr4-6303280-C-T.
Other names: c.1758C>T, p.Ala586= (NM_001145853.1).
Identifiers: ClinVar variation 178595 (VCV000178595.47), dbSNP rs145144527, ClinGen allele CA182626.

ClinVar aggregate classification (germline): Conflicting classifications of pathogenicity. Review status: criteria provided, conflicting classifications (1 of 4 stars). 10 submissions from 9 submitters: Uncertain significance (1); Benign (2); Likely benign (4). 3 of the submissions do not count toward it. Last evaluated 2026-03-01.

Conditions:
WFS1-Related Spectrum Disorders.
Autosomal dominant nonsyndromic hearing loss 6 (LFSNHL). Also called: DEAFNESS, AUTOSOMAL DOMINANT 6; DEAFNESS, AUTOSOMAL DOMINANT 14; DEAFNESS, AUTOSOMAL DOMINANT 38; Autosomal dominant nonsyndromic deafness 6. Identifiers: Orphanet 90635, MedGen C1833021, MONDO:0010963, OMIM 600965.
Wolfram syndrome 1 (WFS1). Identifiers: Orphanet 3463, MedGen C4551693, MONDO:0009101, OMIM 222300.

Allele frequency attached by ClinVar (database versions not stated): ESP Exome Variant Server 0.00015; 1000 Genomes Project 30x 0.00016; 1000 Genomes Project 0.00020; gnomAD 0.00021; TOPMed 0.00032; ExAC 0.00035; gnomAD exomes 0.00037 and 0.00046.
gnomAD v4.1: 586 of 1,614,130 alleles (0.036%); highest among the groups gnomAD compares: Non-Finnish European, 0.03%; 3 homozygotes.

Submissions (10):

CeGaT Center for Human Genetics Tuebingen
Classification: Likely benign. Last evaluated: 2026-03-01. Review status: criteria provided, single submitter. Criteria: CeGaT Center For Human Genetics Tuebingen Variant Classification Criteria Version 2. Collection method: clinical testing. Allele origin: germline. Affected: yes. Observed: 2 variant alleles.
Comment: WFS1: BP4, BP7

Labcorp Genetics (formerly Invitae), Labcorp
Classification: Benign. Last evaluated: 2026-01-25. Review status: criteria provided, single submitter. Criteria: Invitae Variant Classification Sherloc (09022015). Collection method: clinical testing. Allele origin: germline.

GeneDx
Classification: Likely benign. Last evaluated: 2019-09-10. Review status: criteria provided, single submitter. Criteria: GeneDx Variant Classification Process June 2021. Collection method: clinical testing. Allele origin: germline. Affected: yes.

Illumina Laboratory Services, Illumina
Classification: Uncertain significance for WFS1-Related Spectrum Disorders. Last evaluated: 2018-01-12. Review status: criteria provided, single submitter. Criteria: ICSL Variant Classification Criteria 13 December 2019. Collection method: clinical testing. Allele origin: germline.

Illumina Laboratory Services, Illumina
Classification: Likely benign for Autosomal dominant nonsyndromic hearing loss 6. Last evaluated: 2018-01-12. Review status: criteria provided, single submitter. Criteria: ICSL Variant Classification Criteria 13 December 2019. Collection method: clinical testing. Allele origin: germline.
Comment: This variant was observed in the ICSL laboratory as part of a predisposition screen in an ostensibly healthy population. It had not been previously curated by ICSL or reported in the Human Gene Mutation Database (HGMD: prior to June 1st, 2018), and was therefore a candidate for classification through an automated scoring system. Utilizing variant allele frequency, disease prevalence and penetrance estimates, and inheritance mode, an automated score was calculated to assess if this variant is too frequent to cause the disease. Based on the score and internal cut-off values, a variant classified as likely benign is not then subjected to further curation. The score for this variant resulted in a classification of likely benign for this disease.

Laboratory for Molecular Medicine, Mass General Brigham Personalized Medicine
Classification: Likely benign. Last evaluated: 2016-01-29. Review status: criteria provided, single submitter. Criteria: LMM Criteria. Collection method: clinical testing. Allele origin: germline. Observed: 2 variant alleles.
Comment: p.Ala586Ala in Exon 08 of WFS1: This variant is not expected to have clinical si gnificance because it does not alter an amino acid residue, is not located withi n the splice consensus sequence, and has been identified in 41/66666 European ch romosomes by the Exome Aggregation Consortium (ExAC. org; dbSNP rs145144527).

Clinical Genomics, Uppaluri K&H Personalized Medicine Clinic
Classification: Benign for Wolfram syndrome 1. Review status: criteria provided, single submitter. Criteria: K & H Uppaluri Personalized Medicine Clinic Variant Classification & Assertion Criteria_Updated V.1. Collection method: research. Allele origin: unknown. Inheritance: Autosomal recessive inheritance.
Comment: Potent mutations in WFS1 gene are associated with Wolfram's syndrome, an autosomal recessive condition, which cause diabetes mellitus, diabetes insipidus, deafness and optic atrophy.However no sufficient evidence is found to ascertain the role of this particular variant rs145144527 in Wolfram's syndrome yet.

Clinical Genetics DNA and cytogenetics Diagnostics Lab, Erasmus MC, Erasmus Medical Center
Classification: Likely benign. Review status: no assertion criteria provided. Collection method: clinical testing. Allele origin: germline. Affected: yes. Study: VKGL Data-share Consensus. Not counted in ClinVar's aggregate classification.

Clinical Genetics, Academic Medical Center
Classification: Benign. Review status: no assertion criteria provided. Collection method: clinical testing. Allele origin: germline. Affected: yes. Study: VKGL Data-share Consensus. Not counted in ClinVar's aggregate classification.

Laboratory of Diagnostic Genome Analysis, Leiden University Medical Center (LUMC)
Classification: Likely benign. Review status: no assertion criteria provided. Collection method: clinical testing. Allele origin: germline. Affected: yes. Study: VKGL Data-share Consensus. Not counted in ClinVar's aggregate classification.

Literature cited by the submitters: PubMed 20738327 (cited by Clinical Genomics, Uppaluri K&H Personalized Medicine Clinic); PubMed 33879153 (cited by Clinical Genomics, Uppaluri K&H Personalized Medicine Clinic); PubMed 12955714 (cited by Clinical Genomics, Uppaluri K&H Personalized Medicine Clinic); PubMed 18060660 (cited by Clinical Genomics, Uppaluri K&H Personalized Medicine Clinic); PubMed 20301750 (cited by Clinical Genomics, Uppaluri K&H Personalized Medicine Clinic); PubMed 17603484 (cited by Clinical Genomics, Uppaluri K&H Personalized Medicine Clinic).